The following is an entry in ClinVar:

ClinVar aggregate classification (germline): Conflicting classifications of pathogenicity. Review status: criteria provided, conflicting classifications (1 of 4 stars). 5 submissions from 5 submitters: Uncertain significance (3); Likely benign (1). 1 of the submissions does not count toward it. Last evaluated 2023-12-22.

Conditions:
Polycystic kidney disease 4 (PKD4). Also called: PKD3; Autosomal Recessive Polycystic Kidney Disease – PKHD1; POLYCYSTIC KIDNEY AND HEPATIC DISEASE 1; POLYCYSTIC KIDNEY DISEASE, INFANTILE, TYPE I; POLYCYSTIC KIDNEY DISEASE 4 WITH OR WITHOUT POLYCYSTIC LIVER DISEASE. Identifiers: MedGen C4540575, MONDO:0033004, OMIM 263200.
Inborn genetic diseases. Identifiers: MedGen C0950123, MeSH D030342.
Autosomal recessive polycystic kidney disease (ARPKD). Also called: AR polycystic kidney disease. Identifiers: Orphanet 731, Orphanet 8378, MedGen C0085548, MeSH D017044, MONDO:0009889.

Allele frequency attached by ClinVar (database versions not stated): gnomAD exomes 0.00001 and 0.00003; ExAC 0.00003; TOPMed 0.00003; gnomAD 0.00004 and 0.00005.
gnomAD v4.1: 22 of 1,612,368 alleles (0.0014%); highest among the groups gnomAD compares: Middle Eastern, 0.017%; no homozygotes.

Submissions (5):

Ambry Genetics
Classification: Likely benign for Inborn genetic diseases. Last evaluated: 2023-12-22. Review status: criteria provided, single submitter. Criteria: Ambry Variant Classification Scheme 2023. Collection method: clinical testing. Allele origin: germline.

Department of Pathology and Laboratory Medicine, Sinai Health System
Classification: Uncertain significance for Polycystic kidney disease 4. Last evaluated: 2023-04-23. Review status: criteria provided, single submitter. Criteria: ACMG Guidelines, 2015. Collection method: research. Allele origin: germline.

Labcorp Genetics (formerly Invitae), Labcorp
Classification: Uncertain significance for Autosomal recessive polycystic kidney disease. Last evaluated: 2022-02-04. Review status: criteria provided, single submitter. Criteria: Invitae Variant Classification Sherloc (09022015). Collection method: clinical testing. Allele origin: germline.
Comment: This sequence change replaces aspartic acid, which is acidic and polar, with glycine, which is neutral and non-polar, at codon 2490 of the PKHD1 protein (p.Asp2490Gly). This variant is present in population databases (rs746000400, gnomAD 0.007%). This variant has not been reported in the literature in individuals affected with PKHD1-related conditions. ClinVar contains an entry for this variant (Variation ID: 971206). Advanced modeling of protein sequence and biophysical properties (such as structural, functional, and spatial information, amino acid conservation, physicochemical variation, residue mobility, and thermodynamic stability) performed at Invitae indicates that this missense variant is not expected to disrupt PKHD1 protein function. In summary, the available evidence is currently insufficient to determine the role of this variant in disease. Therefore, it has been classified as a Variant of Uncertain Significance.

Fulgent Genetics
Classification: Uncertain significance for Polycystic kidney disease 4. Last evaluated: 2021-10-13. Review status: criteria provided, single submitter. Criteria: ACMG Guidelines, 2015. Collection method: clinical testing. Allele origin: unknown.

Natera, Inc.
Classification: Uncertain significance for Autosomal recessive polycystic kidney disease. Last evaluated: 2018-12-17. Review status: no assertion criteria provided. Collection method: clinical testing. Allele origin: germline. Not counted in ClinVar's aggregate classification.

NM_138694.4(PKHD1):c.7469A>G (p.Asp2490Gly)

Gene: PKHD1 (PKHD1 ciliary IPT domain containing fibrocystin/polyductin; minus strand). Cytogenetic location: 6p12.2.
Variant type: single nucleotide variant.
Coding change: c.7469A>G on transcript NM_138694.4 (MANE Select); coding-DNA position 7469, A replaced by G.
Protein change: p.Asp2490Gly; replaces aspartic acid 2490 with glycine.
Molecular consequence: missense variant.
Genome position (GRCh38, 1-based): chr6:51,870,521, T>C on the plus strand (A>G on the coding strand, the complement: PKHD1 is on the minus strand). VCF-style: chr6-51870521-T-C. GRCh37 (hg19) VCF-style: chr6-51735319-T-C.
Other names: c.7469A>G, p.Asp2490Gly (NM_170724.3); short protein forms D2490G.
Identifiers: ClinVar variation 971206 (VCV000971206.14), dbSNP rs746000400, ClinGen allele CA3851929.